The following is an entry in ClinVar:

NM_017547.4(FOXRED1):c.-31A>G

Gene: FOXRED1 (FAD dependent oxidoreductase domain containing 1; plus strand). Cytogenetic location: 11q24.2.
Variant type: single nucleotide variant.
Coding change: c.-31A>G on transcript NM_017547.4 (MANE Select); 31 bases upstream of the start codon, A replaced by G.
Molecular consequence: 5 prime UTR variant. On other transcripts: non-coding transcript variant (2).
Genome position (GRCh38, 1-based): chr11:126,269,176, A>G. VCF-style: chr11-126269176-A-G. GRCh37 (hg19) VCF-style: chr11-126139071-A-G.
Identifiers: ClinVar variation 214438 (VCV000214438.5), dbSNP rs368307265, ClinGen allele CA321140.

ClinVar aggregate classification (germline): Conflicting classifications of pathogenicity. Review status: criteria provided, conflicting classifications (1 of 4 stars). 2 submissions from 2 submitters: Uncertain significance (1); Benign (1). Last evaluated 2018-01-13.

Conditions:
Mitochondrial complex I deficiency, nuclear type 1. Also called: NADH-COENZYME Q REDUCTASE DEFICIENCY; MITOCHONDRIAL NADH DEHYDROGENASE COMPONENT OF COMPLEX I, DEFICIENCY OF. Identifiers: MedGen C6022305, MONDO:0100224, OMIM 252010.

Allele frequency attached by ClinVar (database versions not stated): ESP Exome Variant Server 0.00008; gnomAD 0.00013 and 0.00018; TOPMed 0.00013; gnomAD exomes 0.00035; ExAC 0.00037; 1000 Genomes Project 30x 0.00094; 1000 Genomes Project 0.00120.
gnomAD v4.1: 190 of 1,532,672 alleles (0.012%); highest among the groups gnomAD compares: East Asian, 0.23%; no homozygotes.

Submissions (2):

Illumina Laboratory Services, Illumina
Classification: Uncertain significance for Mitochondrial complex I deficiency, nuclear type 1. Last evaluated: 2018-01-13. Review status: criteria provided, single submitter. Criteria: ICSL Variant Classification Criteria 13 December 2019. Collection method: clinical testing. Allele origin: germline.

GeneDx
Classification: Benign. Last evaluated: 2015-01-06. Review status: criteria provided, single submitter. Criteria: GeneDx Variant Classification (06012015). Collection method: clinical testing. Allele origin: germline. Affected: yes.
Comment: This variant is considered likely benign or benign based on one or more of the following criteria: it is a conservative change, it occurs at a poorly conserved position in the protein, it is predicted to be benign by multiple in silico algorithms, and/or has population frequency not consistent with disease.